The following is an entry in ClinVar:

ClinVar aggregate classification (germline): Pathogenic (1 of 4 stars; one submission).

Conditions:
Inborn genetic diseases. Identifiers: MedGen C0950123, MeSH D030342.

Submission:

Ambry Genetics
Classification: Pathogenic for Inborn genetic diseases. Last evaluated: 2023-05-06. Review status: criteria provided, single submitter. Criteria: Ambry Variant Classification Scheme 2023. Collection method: clinical testing. Allele origin: germline.
Comment: The c.901delC (p.R301Gfs*35) alteration, located in exon 1 (coding exon 1) of the CDK13 gene, consists of a deletion of one nucleotide at position 901, causing a translational frameshift with a predicted alternate stop codon after 35 amino acids. This alteration is expected to result in loss of function by premature protein truncation or nonsense-mediated mRNA decay. This variant was not reported in population-based cohorts in the Genome Aggregation Database (gnomAD). Based on the available evidence, this alteration is classified as pathogenic.

NM_003718.5(CDK13):c.901del (p.Arg301fs)

Gene: CDK13 (cyclin dependent kinase 13; plus strand). Cytogenetic location: 7p14.1.
Variant type: Deletion.
Coding change: c.901del on transcript NM_003718.5 (MANE Select); coding-DNA position 901, one base deleted (C; older notation c.901delC).
Protein change: p.Arg301fs; shifts the reading frame from arginine 301.
Molecular consequence: frameshift variant.
Genome position (GRCh38, 1-based): chr7:39,951,542, C deleted; the last of 2 consecutive C bases (chr7:39,951,541-39,951,542); deleting either gives the same sequence. VCF-style (leftmost placement, unchanged base first): chr7-39951540-AC-A. GRCh37 (hg19) VCF-style: chr7-39991139-AC-A.
Other names: c.901delC, p.Arg301Glyfs (NM_031267.4); short protein forms R301fs.
Identifiers: ClinVar variation 2520825 (VCV002520825.2), dbSNP rs2483675511, ClinGen allele CA2580615875.